The following is an entry in ClinVar:

ClinVar aggregate classification (germline): Conflicting classifications of pathogenicity. Review status: criteria provided, conflicting classifications (1 of 4 stars). 3 submissions from 3 submitters: Uncertain significance (1); Likely benign (1). 1 of the submissions does not count toward it. Last evaluated 2025-12-29.

Conditions:
ADGRV1-related disorder. Also called: ADGRV1-related disorders; ADGRV1-related condition.

Allele frequency attached by ClinVar (database versions not stated): gnomAD 0.00003; gnomAD exomes 0.00004 and 0.00006; ExAC 0.00005; 1000 Genomes Project 0.00020; 1000 Genomes Project 30x 0.00047.
gnomAD v4.1: 57 of 1,613,922 alleles (0.0035%); highest among the groups gnomAD compares: South Asian, 0.048%; 1 homozygote.

Submissions (3):

Labcorp Genetics (formerly Invitae), Labcorp
Classification: Likely benign. Last evaluated: 2025-12-29. Review status: criteria provided, single submitter. Criteria: Invitae Variant Classification Sherloc (09022015). Collection method: clinical testing. Allele origin: germline.

Blueprint Genetics
Classification: Uncertain significance. Last evaluated: 2023-02-20. Review status: criteria provided, single submitter. Criteria: ACMG Guidelines, 2015. Collection method: clinical testing. Allele origin: germline.

PreventionGenetics, part of Exact Sciences
Classification: Uncertain significance for ADGRV1-related condition. Last evaluated: 2024-01-04. Review status: no assertion criteria provided. Collection method: clinical testing. Allele origin: germline. Not counted in ClinVar's aggregate classification.
Comment: The ADGRV1 c.3958C>T variant is predicted to result in the amino acid substitution p.Arg1320Cys. To our knowledge, this variant has not been reported in the literature. This variant is reported in 0.043% of alleles in individuals of South Asian descent in gnomAD. At this time, the clinical significance of this variant is uncertain due to the absence of conclusive functional and genetic evidence.

NM_032119.4(ADGRV1):c.3958C>T (p.Arg1320Cys)

Gene: ADGRV1 (adhesion G protein-coupled receptor V1; plus strand). Cytogenetic location: 5q14.3.
Variant type: single nucleotide variant.
Coding change: c.3958C>T on transcript NM_032119.4 (MANE Select); coding-DNA position 3958, C replaced by T.
Protein change: p.Arg1320Cys; replaces arginine 1320 with cysteine.
Molecular consequence: missense variant. On other transcripts: non-coding transcript variant (1).
Genome position (GRCh38, 1-based): chr5:90,653,532, C>T. VCF-style: chr5-90653532-C-T. GRCh37 (hg19) VCF-style: chr5-89949349-C-T.
Other names: c.3958C>T (NM_032119.3); short protein forms R1320C.
Identifiers: ClinVar variation 1478723 (VCV001478723.11), dbSNP rs532745096, ClinGen allele CA3339271.
Genomic context (GRCh38, chr5:90,653,532, plus strand): 5'-ATAGATTTTTTACTGGTTGGAATTTTCCCCACCACCGTGCATTTACAACAGCACATGCGG[C>T]GTCACCACAGTGGAACGGATGCTTTGTACTTTACCGGACTAGAGGGTGCATTTGGGACTG-3'
Protein context (NP_115495.3, residues 1310-1330): TTVHLQQHMR[Arg1320Cys]HHSGTDALYF